The following is an entry in ClinVar:

ClinVar aggregate classification (germline): Uncertain significance (1 of 4 stars; one submission).

Conditions:
Hereditary cancer-predisposing syndrome. Also called: Neoplastic Syndromes, Hereditary; Tumor predisposition; Hereditary Cancer Syndrome; Hereditary neoplastic syndrome. Identifiers: Orphanet 140162, MedGen C0027672, MeSH D009386, MONDO:0015356.

Submission:

Ambry Genetics
Classification: Uncertain significance for Hereditary cancer-predisposing syndrome. Last evaluated: 2026-04-09. Review status: criteria provided, single submitter. Criteria: Ambry Variant Classification Scheme 2023. Collection method: clinical testing. Allele origin: germline.
Comment: The p.G823A variant (also known as c.2468G>C), located in coding exon 14 of the RET gene, results from a G to C substitution at nucleotide position 2468. The glycine at codon 823 is replaced by alanine, an amino acid with similar properties. This amino acid position is conserved. In addition, the in silico prediction for this alteration is inconclusive. Based on the available evidence, the clinical significance of this variant remains unclear.

NM_020975.6(RET):c.2468G>C (p.Gly823Ala)

Gene: RET (ret proto-oncogene; plus strand). Cytogenetic location: 10q11.21.
Variant type: single nucleotide variant.
Coding change: c.2468G>C on transcript NM_020975.6 (MANE Select); coding-DNA position 2468, G replaced by C.
Protein change: p.Gly823Ala; replaces glycine 823 with alanine.
Molecular consequence: missense variant.
Genome position (GRCh38, 1-based): chr10:43,119,606, G>C. VCF-style: chr10-43119606-G-C. GRCh37 (hg19) VCF-style: chr10-43615054-G-C.
Other names: c.2333G>C, p.Gly778Ala (NM_001406763.1, NM_001406765.1); c.2339G>C, p.Gly780Ala (NM_001406764.1, NM_001406761.1, NM_001406762.1); c.2180G>C, p.Gly727Ala (NM_001406766.1, NM_001406767.1, NM_001406770.1); c.2204G>C, p.Gly735Ala (NM_001406768.1); c.2072G>C, p.Gly691Ala (NM_001406769.1, NM_001406772.1); c.2030G>C, p.Gly677Ala (NM_001406771.1, NM_001406773.1); c.1571G>C, p.Gly524Ala (NM_001406782.1, NM_001406779.1, NM_001406780.1 and 1 more transcripts); c.1442G>C, p.Gly481Ala (NM_001406783.1, NM_001406786.1); and 10 more; short protein forms G340A, G388A, G428A, G479A, G481A, G484A, G493A, G524A.
Identifiers: ClinVar variation 4863256 (VCV004863256.1).
Genomic context (GRCh38, chr10:43,119,606, plus strand): 5'-TCGTGGAGTACGCCAAATACGGCTCCCTGCGGGGCTTCCTCCGCGAGAGCCGCAAAGTGG[G>C]GCCTGGCTACCTGGGCAGTGGAGGCAGCCGCAACTCCAGCTCCCTGGACCACCCGGATGA-3'
Protein context (NP_066124.1, residues 813-833): RGFLRESRKV[Gly823Ala]PGYLGSGGSR